The following is an entry in ClinVar:

ClinVar aggregate classification (germline): Uncertain significance. Review status: criteria provided, multiple submitters, no conflicts (2 of 4 stars). 2 submissions from 2 submitters: Uncertain significance (2). Last evaluated 2026-01-08.

Conditions:
Dilated cardiomyopathy 1W (CMD1W). Identifiers: Orphanet 154, MedGen C1969639, MONDO:0012667, OMIM 611407.
Cardiovascular phenotype. Identifiers: MedGen CN230736.

Submissions (2):

Ambry Genetics
Classification: Uncertain significance for Cardiovascular phenotype. Last evaluated: 2026-01-08. Review status: criteria provided, single submitter. Criteria: Ambry Variant Classification Scheme 2023. Collection method: clinical testing. Allele origin: germline.
Comment: The p.G329A variant (also known as c.986G>C), located in coding exon 8 of the VCL gene, results from a G to C substitution at nucleotide position 986. The glycine at codon 329 is replaced by alanine, an amino acid with similar properties. This amino acid position is well conserved in available vertebrate species. In addition, the in silico prediction for this alteration is inconclusive. Based on the available evidence, the clinical significance of this variant remains unclear.

Labcorp Genetics (formerly Invitae), Labcorp
Classification: Uncertain significance for Dilated cardiomyopathy 1W. Last evaluated: 2022-12-04. Review status: criteria provided, single submitter. Criteria: Invitae Variant Classification Sherloc (09022015). Collection method: clinical testing. Allele origin: germline.
Comment: In summary, the available evidence is currently insufficient to determine the role of this variant in disease. Therefore, it has been classified as a Variant of Uncertain Significance. Algorithms developed to predict the effect of missense changes on protein structure and function are either unavailable or do not agree on the potential impact of this missense change (SIFT: "Not Available"; PolyPhen-2: "Possibly Damaging"; Align-GVGD: "Not Available"). This variant has not been reported in the literature in individuals affected with VCL-related conditions. This variant is not present in population databases (gnomAD no frequency). This sequence change replaces glycine, which is neutral and non-polar, with alanine, which is neutral and non-polar, at codon 329 of the VCL protein (p.Gly329Ala).

NM_014000.3(VCL):c.986G>C (p.Gly329Ala)

Gene: VCL (vinculin; plus strand). Cytogenetic location: 10q22.2.
Variant type: single nucleotide variant.
Coding change: c.986G>C on transcript NM_014000.3 (MANE Select); coding-DNA position 986, G replaced by C.
Protein change: p.Gly329Ala; replaces glycine 329 with alanine.
Molecular consequence: missense variant.
Genome position (GRCh38, 1-based): chr10:74,083,477, G>C. VCF-style: chr10-74083477-G-C. GRCh37 (hg19) VCF-style: chr10-75843235-G-C.
Other names: c.986G>C, p.Gly329Ala (NM_003373.4); short protein forms G329A.
Identifiers: ClinVar variation 2090039 (VCV002090039.6), dbSNP rs2549219088, ClinGen allele CA377270640.